The following is an entry in ClinVar:

NM_014141.6(CNTNAP2):c.3088A>G (p.Ser1030Gly)

Gene: CNTNAP2 (contactin associated protein 2; plus strand). Cytogenetic location: 7q36.1.
Variant type: single nucleotide variant.
Coding change: c.3088A>G on transcript NM_014141.6 (MANE Select); coding-DNA position 3088, A replaced by G.
Protein change: p.Ser1030Gly; replaces serine 1030 with glycine.
Molecular consequence: missense variant.
Genome position (GRCh38, 1-based): chr7:148,217,365, A>G. VCF-style: chr7-148217365-A-G. GRCh37 (hg19) VCF-style: chr7-147914457-A-G.
Other names: short protein forms S1030G.
Identifiers: ClinVar variation 2007138 (VCV002007138.4), dbSNP rs150797800, ClinGen allele CA4546547.

ClinVar aggregate classification (germline): Uncertain significance (1 of 4 stars; one submission).

Conditions:
Cortical dysplasia-focal epilepsy syndrome (PTHSL1). Also called: Pitt-Hopkins-like syndrome 1. Identifiers: Orphanet 163681, Orphanet 221150, MedGen C2750246, MONDO:0012400, OMIM 610042.

Allele frequency attached by ClinVar (database versions not stated): gnomAD exomes below 0.00001; ExAC 0.00001; ESP Exome Variant Server 0.00008.
gnomAD v4.1: 1 of 1,614,130 alleles (0.000062%); highest among the groups gnomAD compares: Non-Finnish European, 0.000085%; no homozygotes.

Submission:

Labcorp Genetics (formerly Invitae), Labcorp
Classification: Uncertain significance for Cortical dysplasia-focal epilepsy syndrome. Last evaluated: 2024-02-24. Review status: criteria provided, single submitter. Criteria: Invitae Variant Classification Sherloc (09022015). Collection method: clinical testing. Allele origin: germline.
Comment: This sequence change replaces serine, which is neutral and polar, with glycine, which is neutral and non-polar, at codon 1030 of the CNTNAP2 protein (p.Ser1030Gly). This variant is present in population databases (rs150797800, gnomAD 0.0009%). This variant has not been reported in the literature in individuals affected with CNTNAP2-related conditions. ClinVar contains an entry for this variant (Variation ID: 2007138). Algorithms developed to predict the effect of missense changes on protein structure and function output the following: SIFT: "Not Available"; PolyPhen-2: "Benign"; Align-GVGD: "Not Available". The glycine amino acid residue is found in multiple mammalian species, which suggests that this missense change does not adversely affect protein function. In summary, the available evidence is currently insufficient to determine the role of this variant in disease. Therefore, it has been classified as a Variant of Uncertain Significance.